The following is an entry in ClinVar:

ClinVar aggregate classification (germline): Likely pathogenic (1 of 4 stars; one submission).

Submission:

GeneDx
Classification: Likely pathogenic. Last evaluated: 2017-06-08. Review status: criteria provided, single submitter. Criteria: GeneDx Variant Classification (06012015). Collection method: clinical testing. Allele origin: germline. Affected: yes.
Comment: The c.584_605del22 variant in the LCT gene has not been reported previously as a pathogenic variant nor as a benign variant, to our knowledge. This variant causes a frameshift starting with codon Leucine 195, changes this amino acid to a Proline residue, and creates a premature Stop codon at position 30 of the new reading frame, denoted p.Leu195ProfsX30. This variant is predicted to cause loss of normal protein function either through protein truncation or nonsense-mediated mRNA decay. The c.584_605del22 variant is not observed in large population cohorts (Lek et al., 2016; 1000 Genomes Consortium et al., 2015; Exome Variant Server). We interpret c.584_605del22 as a likely pathogenic variant.

NM_002299.4(LCT):c.584_605del (p.Leu195fs)

Gene: LCT (lactase; minus strand). Cytogenetic location: 2q21.3.
Variant type: Deletion.
Coding change: c.584_605del on transcript NM_002299.4 (MANE Select); coding-DNA positions 584 to 605, 22 bases deleted (TCAGTGATGCCCACAGAAAAGC).
Protein change: p.Leu195fs; shifts the reading frame from leucine 195.
Molecular consequence: frameshift variant.
Genome position (GRCh38, 1-based): chr2:135,836,565-135,836,586, GCTTTTCTGTGGGCATCACTGA deleted on the plus strand (TCAGTGATGCCCACAGAAAAGC on the coding strand, the reverse complement: LCT is on the minus strand); deleting any 22 consecutive bases within chr2:135,836,565-135,836,587 gives the same sequence; the c. name uses the placement nearest the transcript's 3' end. VCF-style (leftmost placement, unchanged base first): chr2-135836564-GGCTTTTCTGTGGGCATCACTGA-G. GRCh37 (hg19) VCF-style: chr2-136594134-GGCTTTTCTGTGGGCATCACTGA-G.
Other names: c.584_605delTCAGTGATGCCCACAGAAAAGC (NM_002299.2); c.584_605del (LRG_338t1); short protein forms L195fs.
Identifiers: ClinVar variation 432764 (VCV000432764.2), dbSNP rs1553436217, ClinGen allele CA645372577.